The following is an entry in ClinVar:

ClinVar aggregate classification (germline): Benign. Review status: criteria provided, single submitter (1 of 4 stars). 2 submissions from 2 submitters: Benign (1). 1 of the submissions does not count toward it. Last evaluated 2025-12-19.

Conditions:
DYRK1B-related disorder. Also called: DYRK1B-related condition.

Allele frequency attached by ClinVar (database versions not stated): 1000 Genomes Project 30x 0.00016; ESP Exome Variant Server 0.00023; gnomAD 0.00023; gnomAD exomes 0.00038; ExAC 0.00069; TOPMed 0.00019; 1000 Genomes Project 0.00020.
gnomAD v4.1: 591 of 1,613,698 alleles (0.037%); highest among the groups gnomAD compares: South Asian, 0.29%; 6 homozygotes.

Submissions (2):

Labcorp Genetics (formerly Invitae), Labcorp
Classification: Benign. Last evaluated: 2025-12-19. Review status: criteria provided, single submitter. Criteria: Invitae Variant Classification Sherloc (09022015). Collection method: clinical testing. Allele origin: germline.

PreventionGenetics, part of Exact Sciences
Classification: Likely benign for DYRK1B-related condition. Last evaluated: 2021-06-07. Review status: no assertion criteria provided. Collection method: clinical testing. Allele origin: germline. Not counted in ClinVar's aggregate classification.
Comment: This variant is classified as likely benign based on ACMG/AMP sequence variant interpretation guidelines (Richards et al. 2015 PMID: 25741868, with internal and published modifications).

NM_004714.3(DYRK1B):c.1055G>C (p.Gly352Ala)

Gene: DYRK1B (dual specificity tyrosine phosphorylation regulated kinase 1B; minus strand). Cytogenetic location: 19q13.2.
Variant type: single nucleotide variant.
Coding change: c.1055G>C on transcript NM_004714.3 (MANE Select); coding-DNA position 1055, G replaced by C.
Protein change: p.Gly352Ala; replaces glycine 352 with alanine.
Molecular consequence: missense variant.
Genome position (GRCh38, 1-based): chr19:39,827,325, C>G on the plus strand (G>C on the coding strand, the complement: DYRK1B is on the minus strand). VCF-style: chr19-39827325-C-G. GRCh37 (hg19) VCF-style: chr19-40317965-C-G.
Other names: c.1055G>C, p.Gly352Ala (NM_006483.3, NM_006484.3); c.1055G>C (NM_004714.2); short protein forms G352A.
Identifiers: ClinVar variation 2701210 (VCV002701210.5), dbSNP rs148897290, ClinGen allele CA9434131.